The following is an entry in ClinVar:

NM_000138.5(FBN1):c.7903G>A (p.Ala2635Thr)

Gene: FBN1 (fibrillin 1; minus strand). Cytogenetic location: 15q21.1.
Variant type: single nucleotide variant.
Coding change: c.7903G>A on transcript NM_000138.5 (MANE Select); coding-DNA position 7903, G replaced by A.
Protein change: p.Ala2635Thr; replaces alanine 2635 with threonine.
Molecular consequence: missense variant.
Genome position (GRCh38, 1-based): chr15:48,415,684, C>T on the plus strand (G>A on the coding strand, the complement: FBN1 is on the minus strand). VCF-style: chr15-48415684-C-T. GRCh37 (hg19) VCF-style: chr15-48707881-C-T.
Other names: short protein forms A2635T.
Identifiers: ClinVar variation 549440 (VCV000549440.15), dbSNP rs746859988, ClinGen allele CA059330.

ClinVar aggregate classification (germline): Benign/Likely benign. Review status: criteria provided, multiple submitters, no conflicts (2 of 4 stars). 6 submissions from 6 submitters: Benign (1); Likely benign (4). 1 of the submissions does not count toward it. Last evaluated 2026-07-04.

Conditions:
Marfan syndrome (MFS). Also called: FBN1-Related Marfan Syndrome; Marfan's syndrome; MARFAN SYNDROME, TYPE I; Marfan syndrome, classic; Marfan syndrome type 1. Identifiers: Orphanet 284963, Orphanet 558, MedGen C0024796, MONDO:0007947, OMIM 154700.
Familial thoracic aortic aneurysm and aortic dissection (TAAD). Also called: Thoracic aortic aneurysms and dissections. Identifiers: Orphanet 91387, MedGen C4707243, MONDO:0019625.

Allele frequency attached by ClinVar (database versions not stated): TOPMed below 0.00001; gnomAD 0.00001; gnomAD exomes 0.00002 and 0.00005; ExAC 0.00004.
gnomAD v4.1: 41 of 1,614,052 alleles (0.0025%); highest among the groups gnomAD compares: Middle Eastern, 0.033%; no homozygotes.

Submissions (6):

Ambry Genetics
Classification: Likely benign for Familial thoracic aortic aneurysm and aortic dissection. Last evaluated: 2026-07-04. Review status: criteria provided, single submitter. Criteria: Ambry Variant Classification Scheme 2023. Collection method: clinical testing. Allele origin: germline.

Labcorp Genetics (formerly Invitae), Labcorp
Classification: Benign for Marfan syndrome; Familial thoracic aortic aneurysm and aortic dissection. Last evaluated: 2025-12-15. Review status: criteria provided, single submitter. Criteria: Invitae Variant Classification Sherloc (09022015). Collection method: clinical testing. Allele origin: germline.

Color Diagnostics, LLC DBA Color Health
Classification: Likely benign for Familial thoracic aortic aneurysm and aortic dissection. Last evaluated: 2024-09-12. Review status: criteria provided, single submitter. Criteria: ACMG Guidelines, 2015. Collection method: clinical testing. Allele origin: germline.

Blueprint Genetics
Classification: Likely benign. Last evaluated: 2024-05-22. Review status: criteria provided, single submitter. Criteria: ACMG Guidelines, 2015. Collection method: clinical testing. Allele origin: germline.

All of Us Research Program, National Institutes of Health
Classification: Likely benign for Marfan syndrome. Last evaluated: 2023-05-15. Review status: criteria provided, single submitter. Criteria: ACMG Guidelines, 2015. Collection method: clinical testing. Allele origin: germline. Inheritance: Autosomal dominant inheritance. Observed: 1 variant allele, 1 heterozygote.
Comment: This study involves interpretation of variants in research participants for the purpose of population health screening. Participant phenotype was not available at the time of variant classification. Additional details can be found in publication PMID: 35346344, PMCID: PMC8962531

Center for Medical Genetics Ghent, University of Ghent
Classification: Uncertain significance for Marfan syndrome. Last evaluated: 2017-11-07. Review status: no assertion criteria provided. Collection method: clinical testing. Allele origin: germline. Affected: yes. Not counted in ClinVar's aggregate classification.